The following is an entry in ClinVar:

NM_014846.4(WASHC5):c.2849A>G (p.Lys950Arg)

Genes: WASHC5 (WASH complex subunit 5; minus strand), WASHC5-AS1 (WASHC5 antisense RNA 1; plus strand). Cytogenetic location: 8q24.13.
Variant type: single nucleotide variant.
Coding change: c.2849A>G on transcript NM_014846.4 (MANE Select); coding-DNA position 2849, A replaced by G.
Protein change: p.Lys950Arg; replaces lysine 950 with arginine.
Molecular consequence: missense variant.
Genome position (GRCh38, 1-based): chr8:125,043,826, T>C on the plus strand (A>G on the coding strand, the complement: WASHC5 is on the minus strand). VCF-style: chr8-125043826-T-C. GRCh37 (hg19) VCF-style: chr8-126056068-T-C.
Other names: c.2405A>G (NM_001330609.1); c.2405A>G, p.Lys802Arg (NM_001330609.2); short protein forms K950R, K802R.
Identifiers: ClinVar variation 1030375 (VCV001030375.2), dbSNP rs1815967070, ClinGen allele CA372186884.

ClinVar aggregate classification (germline): Uncertain significance. Review status: criteria provided, multiple submitters, no conflicts (2 of 4 stars). 2 submissions from 2 submitters: Uncertain significance (2). Last evaluated 2024-03-29.

Conditions:
Ritscher-Schinzel syndrome 1 (RTSC1). Identifiers: Orphanet 7, MedGen C4551776, MONDO:0009073, OMIM 220210.
Hereditary spastic paraplegia 8 (SPG8). Also called: SPASTIC PARAPLEGIA 8, AUTOSOMAL DOMINANT. Identifiers: Orphanet 100989, MedGen C1863704, MONDO:0011339, OMIM 603563.

Submissions (2):

Genomic Medicine Center of Excellence, King Faisal Specialist Hospital and Research Centre
Classification: Uncertain significance for Hereditary spastic paraplegia 8. Last evaluated: 2024-03-29. Review status: criteria provided, single submitter. Criteria: ACMG Guidelines, 2015. Collection method: clinical testing. Allele origin: germline.

Baylor Genetics
Classification: Uncertain significance for Ritscher-Schinzel syndrome 1. Last evaluated: 2019-11-07. Review status: criteria provided, single submitter. Criteria: ACMG Guidelines, 2015. Collection method: clinical testing. Allele origin: unknown. Affected: yes.
Comment: This variant was determined to be of uncertain significance according to ACMG Guidelines, 2015 [PMID:25741868].